The following is an entry in ClinVar:

ClinVar aggregate classification (germline): Uncertain significance. Review status: criteria provided, multiple submitters, no conflicts (2 of 4 stars). 2 submissions from 2 submitters: Uncertain significance (2). Last evaluated 2024-01-19.

Conditions:
MHC class II deficiency. Also called: Bare lymphocyte syndrome 2; BLS, TYPE II. Identifiers: Orphanet 572, MedGen C5447452, MONDO:0008855.

Allele frequency attached by ClinVar (database versions not stated): gnomAD exomes 0.00008; gnomAD 0.00009; TOPMed 0.00005; ExAC 0.00007; ESP Exome Variant Server 0.00008.
gnomAD v4.1: 64 of 1,613,508 alleles (0.004%); highest among the groups gnomAD compares: Non-Finnish European, 0.0011%; no homozygotes.

Submissions (2):

Labcorp Genetics (formerly Invitae), Labcorp
Classification: Uncertain significance for MHC class II deficiency. Last evaluated: 2024-01-19. Review status: criteria provided, single submitter. Criteria: Invitae Variant Classification Sherloc (09022015). Collection method: clinical testing. Allele origin: germline.
Comment: This sequence change replaces arginine, which is basic and polar, with glutamine, which is neutral and polar, at codon 78 of the RFXANK protein (p.Arg78Gln). This variant is present in population databases (rs375541634, gnomAD 0.2%). This variant has not been reported in the literature in individuals affected with RFXANK-related conditions. ClinVar contains an entry for this variant (Variation ID: 653325). Advanced modeling of protein sequence and biophysical properties (such as structural, functional, and spatial information, amino acid conservation, physicochemical variation, residue mobility, and thermodynamic stability) performed at Invitae indicates that this missense variant is expected to disrupt RFXANK protein function with a positive predictive value of 80%. In summary, the available evidence is currently insufficient to determine the role of this variant in disease. Therefore, it has been classified as a Variant of Uncertain Significance.

Illumina Laboratory Services, Illumina
Classification: Uncertain significance for MHC class II deficiency 1. Last evaluated: 2018-01-13. Review status: criteria provided, single submitter. Criteria: ICSL Variant Classification Criteria 13 December 2019. Collection method: clinical testing. Allele origin: germline.

NM_003721.4(RFXANK):c.233G>A (p.Arg78Gln)

Gene: RFXANK (regulatory factor X associated ankyrin containing protein; plus strand). Cytogenetic location: 19p13.11.
Variant type: single nucleotide variant.
Coding change: c.233G>A on transcript NM_003721.4 (MANE Select); coding-DNA position 233, G replaced by A.
Protein change: p.Arg78Gln; replaces arginine 78 with glutamine.
Molecular consequence: missense variant.
Genome position (GRCh38, 1-based): chr19:19,197,008, G>A. VCF-style: chr19-19197008-G-A. GRCh37 (hg19) VCF-style: chr19-19307817-G-A.
Other names: c.233G>A, p.Arg78Gln (NM_001278727.2, NM_001370233.1, NM_001370234.1 and 1 more transcripts); c.230G>A, p.Arg77Gln (NM_001278728.2, NM_001370235.1, NM_001370236.1 and 2 more transcripts); short protein forms R78Q, R77Q.
Identifiers: ClinVar variation 653325 (VCV000653325.8), dbSNP rs375541634, ClinGen allele CA9322643.